The following is an entry in ClinVar:

NM_177438.3(DICER1):c.5125G>C (p.Asp1709His)

Gene: DICER1 (dicer 1, ribonuclease III; minus strand). Cytogenetic location: 14q32.13.
Variant type: single nucleotide variant.
Coding change: c.5125G>C on transcript NM_177438.3 (MANE Select); coding-DNA position 5125, G replaced by C.
Protein change: p.Asp1709His; replaces aspartic acid 1709 with histidine.
Molecular consequence: missense variant.
Genome position (GRCh38, 1-based): chr14:95,094,127, C>G on the plus strand (G>C on the coding strand, the complement: DICER1 is on the minus strand). VCF-style: chr14-95094127-C-G. GRCh37 (hg19) VCF-style: chr14-95560464-C-G.
Other names: c.5125G>C, p.Asp1709His (NM_001195573.1, NM_001271282.3, NM_001291628.2 and 1 more transcripts); short protein forms D1709H.
Identifiers: ClinVar variation 932993 (VCV000932993.3), dbSNP rs1595331264, ClinGen allele CA390865396.

ClinVar aggregate classification (germline): Pathogenic (1 of 4 stars; one submission).

Conditions:
DICER1-related tumor predisposition. Also called: DICER1-related pleuropulmonary blastoma cancer predisposition syndrome; DICER1 syndrome. Identifiers: Orphanet 284343, MedGen C3839822, MONDO:0100216.

Submission:

Foulkes Cancer Genetics LDI, Lady Davis Institute for Medical Research
Classification: Pathogenic for Pleuropulmonary blastoma. Last evaluated: 2019-07-01. Review status: criteria provided, single submitter. Criteria: ACMG Guidelines, 2015. Collection method: curation. Allele origin: germline. Affected: yes. Observed: 1 variant allele.
Comment: ACMG criteria met: PS2, PS3, PM1, PM2, PP4

Literature cited by the submitters: PubMed 24839956.